The following is an entry in ClinVar:

NM_152296.5(ATP1A3):c.659A>G (p.Asp220Gly)

Gene: ATP1A3 (ATPase Na+/K+ transporting subunit alpha 3; minus strand). Cytogenetic location: 19q13.2.
Variant type: single nucleotide variant.
Coding change: c.659A>G on transcript NM_152296.5 (MANE Select); coding-DNA position 659, A replaced by G.
Protein change: p.Asp220Gly; replaces aspartic acid 220 with glycine.
Molecular consequence: missense variant.
Genome position (GRCh38, 1-based): chr19:41,985,371, T>C on the plus strand (A>G on the coding strand, the complement: ATP1A3 is on the minus strand). VCF-style: chr19-41985371-T-C. GRCh37 (hg19) VCF-style: chr19-42489523-T-C.
Other names: c.692A>G, p.Asp231Gly (NM_001256213.2); c.698A>G, p.Asp233Gly (NM_001256214.2); short protein forms D220G, D231G, D233G.
Identifiers: ClinVar variation 3600837 (VCV003600837.1).

ClinVar aggregate classification (germline): Uncertain significance (1 of 4 stars; one submission).

Submission:

GeneDx
Classification: Uncertain significance. Last evaluated: 2024-07-22. Review status: criteria provided, single submitter. Criteria: GeneDx Variant Classification Process June 2021. Collection method: clinical testing. Allele origin: germline. Affected: yes.
Comment: Not observed at significant frequency in large population cohorts (gnomAD); In silico analysis supports that this missense variant has a deleterious effect on protein structure/function; Has not been previously published as pathogenic or benign to our knowledge